The following is an entry in ClinVar:

ClinVar aggregate classification (germline): Uncertain significance (1 of 4 stars; one submission).

Allele frequency attached by ClinVar (database versions not stated): gnomAD exomes below 0.00001.
gnomAD v4.1: 1 of 1,565,930 alleles (0.000064%); highest among the groups gnomAD compares: South Asian, 0.0012%; no homozygotes.

Submission:

Labcorp Genetics (formerly Invitae), Labcorp
Classification: Uncertain significance. Last evaluated: 2022-11-13. Review status: criteria provided, single submitter. Criteria: Invitae Variant Classification Sherloc (09022015). Collection method: clinical testing. Allele origin: germline.
Comment: This sequence change replaces alanine, which is neutral and non-polar, with glycine, which is neutral and non-polar, at codon 43 of the NLRP1 protein (p.Ala43Gly). This variant is not present in population databases (gnomAD no frequency). This variant has not been reported in the literature in individuals affected with NLRP1-related conditions. Algorithms developed to predict the effect of missense changes on protein structure and function output the following: SIFT: "Deleterious"; PolyPhen-2: "Possibly Damaging"; Align-GVGD: "Class C0". The glycine amino acid residue is found in multiple mammalian species, which suggests that this missense change does not adversely affect protein function. In summary, the available evidence is currently insufficient to determine the role of this variant in disease. Therefore, it has been classified as a Variant of Uncertain Significance.

NM_033004.4(NLRP1):c.128C>G (p.Ala43Gly)

Gene: NLRP1 (NLR family pyrin domain containing 1; minus strand). Cytogenetic location: 17p13.2.
Variant type: single nucleotide variant.
Coding change: c.128C>G on transcript NM_033004.4 (MANE Select); coding-DNA position 128, C replaced by G.
Protein change: p.Ala43Gly; replaces alanine 43 with glycine.
Molecular consequence: missense variant.
Genome position (GRCh38, 1-based): chr17:5,583,830, G>C on the plus strand (C>G on the coding strand, the complement: NLRP1 is on the minus strand). VCF-style: chr17-5583830-G-C. GRCh37 (hg19) VCF-style: chr17-5487150-G-C.
Other names: c.128C>G, p.Ala43Gly (NM_001033053.3, NM_014922.5, NM_033006.4 and 1 more transcripts); short protein forms A43G.
Identifiers: ClinVar variation 2867462 (VCV002867462.3), dbSNP rs2508144012, ClinGen allele CA397391136.